The following is an entry in ClinVar:

NM_139057.4(ADAMTS17):c.1667G>A (p.Ser556Asn)

Genes: ADAMTS17 (ADAM metallopeptidase with thrombospondin type 1 motif 17; minus strand), LOC130058037 (ATAC-STARR-seq lymphoblastoid active region 10166; plus strand). Cytogenetic location: 15q26.3.
Variant type: single nucleotide variant.
Coding change: c.1667G>A on transcript NM_139057.4 (MANE Select); coding-DNA position 1667, G replaced by A.
Protein change: p.Ser556Asn; replaces serine 556 with asparagine.
Molecular consequence: missense variant.
Genome position (GRCh38, 1-based): chr15:100,132,061, C>T on the plus strand (G>A on the coding strand, the complement: ADAMTS17 is on the minus strand). VCF-style: chr15-100132061-C-T. GRCh37 (hg19) VCF-style: chr15-100672266-C-T.
Other names: short protein forms S556N.
Identifiers: ClinVar variation 4806594 (VCV004806594.1).

ClinVar aggregate classification (germline): Uncertain significance (1 of 4 stars; one submission).

gnomAD v4.1: 1 of 1,613,828 alleles (0.000062%); highest among the groups gnomAD compares: Non-Finnish European, 0.000085%; no homozygotes.

Submission:

Labcorp Genetics (formerly Invitae), Labcorp
Classification: Uncertain significance. Last evaluated: 2025-09-05. Review status: criteria provided, single submitter. Criteria: Invitae Variant Classification Sherloc (09022015). Collection method: clinical testing. Allele origin: germline.
Comment: This sequence change replaces serine, which is neutral and polar, with asparagine, which is neutral and polar, at codon 556 of the ADAMTS17 protein (p.Ser556Asn). This variant is not present in population databases (gnomAD no frequency). This variant has not been reported in the literature in individuals affected with ADAMTS17-related conditions. An algorithm developed to predict the effect of missense changes on protein structure and function (PolyPhen-2) suggests that this variant is likely to be disruptive. In summary, the available evidence is currently insufficient to determine the role of this variant in disease. Therefore, it has been classified as a Variant of Uncertain Significance.